The following is an entry in ClinVar:

ClinVar aggregate classification (germline): Likely pathogenic (1 of 4 stars; one submission).

Conditions:
Autosomal recessive limb-girdle muscular dystrophy type 2J (LGMDR10). Also called: Limb-girdle muscular dystrophy, type 2J; MUSCULAR DYSTROPHY, LIMB-GIRDLE, AUTOSOMAL RECESSIVE 10. Identifiers: Orphanet 140922, MedGen C1837342, MONDO:0012127, OMIM 608807.

gnomAD v4.1: 1 of 1,612,960 alleles (0.000062%); highest among the groups gnomAD compares: Non-Finnish European, 0.000085%; no homozygotes.

Submission:

Genetics Department, Hospital De La Santa Creu I Sant Pau
Classification: Likely pathogenic for Autosomal recessive limb-girdle muscular dystrophy type 2J. Last evaluated: 2024-11-13. Review status: criteria provided, single submitter. Criteria: ACMG Guidelines, 2015. Collection method: clinical testing, in vivo. Allele origin: germline. Affected: yes. Functional consequence: splicing_variant.
Comment: The heterozygous c.57262G>C variant in TTN was identified in the compound heterozygous state with a likely pathogenic variant. This variant was shown to alter canonical splicing in muscle RNAseq. Criteria applied: PM2, PM3, PS3 (Richards et al, 2015)

NM_001267550.2(TTN):c.57262G>C (p.Val19088Leu)

Genes: TTN-AS1 (TTN antisense RNA 1; plus strand), TTN (titin; minus strand). Cytogenetic location: 2q31.2.
Variant type: single nucleotide variant.
Coding change: c.57262G>C on transcript NM_001267550.2 (MANE Select); coding-DNA position 57262, G replaced by C.
Protein change: p.Val19088Leu; replaces valine 19088 with leucine.
Molecular consequence: missense variant.
Genome position (GRCh38, 1-based): chr2:178,597,908, C>G on the plus strand (G>C on the coding strand, the complement: TTN is on the minus strand). VCF-style: chr2-178597908-C-G. GRCh37 (hg19) VCF-style: chr2-179462635-C-G.
Other names: c.52339G>C, p.Val17447Leu (NM_001256850.1); c.30067G>C, p.Val10023Leu (NM_003319.4); c.49558G>C, p.Val16520Leu (NM_133378.4); c.30442G>C, p.Val10148Leu (NM_133432.3); c.30643G>C, p.Val10215Leu (NM_133437.4); short protein forms V10023L, V10148L, V10215L, V16520L, V17447L, V19088L.
Identifiers: ClinVar variation 3573466 (VCV003573466.2).